The following is an entry in ClinVar:

NM_001243133.2(NLRP3):c.1355G>A (p.Arg452Gln)

Gene: NLRP3 (NLR family pyrin domain containing 3; plus strand). Cytogenetic location: 1q44.
Variant type: single nucleotide variant.
Coding change: c.1355G>A on transcript NM_001243133.2 (MANE Select); coding-DNA position 1355, G replaced by A.
Protein change: p.Arg452Gln; replaces arginine 452 with glutamine.
Molecular consequence: missense variant.
Genome position (GRCh38, 1-based): chr1:247,424,804, G>A. VCF-style: chr1-247424804-G-A. GRCh37 (hg19) VCF-style: chr1-247588106-G-A.
Other names: c.1355G>A, p.Arg452Gln (NM_001079821.3, NM_001127461.3, NM_001127462.3 and 1 more transcripts); c.1361G>A, p.Arg454Gln (NM_004895.5); c.1361G>A (NM_004895.4); short protein forms R452Q, R454Q.
Identifiers: ClinVar variation 1008408 (VCV001008408.8), dbSNP rs543916695, ClinGen allele CA1495013.

ClinVar aggregate classification (germline): Uncertain significance. Review status: criteria provided, multiple submitters, no conflicts (2 of 4 stars). 2 submissions from 2 submitters: Uncertain significance (2). Last evaluated 2026-04-24.

Conditions:
Cryopyrin associated periodic syndrome (CAPS). Identifiers: Orphanet 208650, MedGen C2316212, MONDO:0016168.

Allele frequency attached by ClinVar (database versions not stated): TOPMed 0.00001; gnomAD 0.00001; gnomAD exomes below 0.00001; ExAC 0.00001; 1000 Genomes Project 30x 0.00016; 1000 Genomes Project 0.00020.
gnomAD v4.1: 16 of 1,609,150 alleles (0.00099%); highest among the groups gnomAD compares: East Asian, 0.0045%; no homozygotes.

Submissions (2):

GeneDx
Classification: Uncertain significance. Last evaluated: 2026-04-24. Review status: criteria provided, single submitter. Criteria: GeneDx Variant Classification Process June 2021. Collection method: clinical testing. Allele origin: germline.
Comment: In silico analysis suggests that this missense variant does not alter protein structure/function; Has not been previously published as pathogenic or benign to our knowledge; This variant is associated with the following publications: (PMID: 19302049)

Labcorp Genetics (formerly Invitae), Labcorp
Classification: Uncertain significance for Cryopyrin associated periodic syndrome. Last evaluated: 2024-09-04. Review status: criteria provided, single submitter. Criteria: Invitae Variant Classification Sherloc (09022015). Collection method: clinical testing. Allele origin: germline.
Comment: This sequence change replaces arginine, which is basic and polar, with glutamine, which is neutral and polar, at codon 454 of the NLRP3 protein (p.Arg454Gln). This variant is present in population databases (rs543916695, gnomAD 0.006%). This variant has not been reported in the literature in individuals affected with NLRP3-related conditions. ClinVar contains an entry for this variant (Variation ID: 1008408). Invitae Evidence Modeling of protein sequence and biophysical properties (such as structural, functional, and spatial information, amino acid conservation, physicochemical variation, residue mobility, and thermodynamic stability) indicates that this missense variant is not expected to disrupt NLRP3 protein function with a negative predictive value of 95%. In summary, the available evidence is currently insufficient to determine the role of this variant in disease. Therefore, it has been classified as a Variant of Uncertain Significance.